The following is an entry in ClinVar:

NM_004006.3(DMD):c.8508C>T (p.Gly2836=)

Gene: DMD (dystrophin; minus strand). Cytogenetic location: Xp21.2.
Variant type: single nucleotide variant.
Coding change: c.8508C>T on transcript NM_004006.3 (MANE Select); coding-DNA position 8508, C replaced by T.
Protein change: p.Gly2836=; no amino-acid change (glycine 2836 retained).
Molecular consequence: synonymous variant.
Genome position (GRCh38, 1-based): chrX:31,496,827, G>A on the plus strand (C>T on the coding strand, the complement: DMD is on the minus strand). VCF-style: chrX-31496827-G-A. GRCh37 (hg19) VCF-style: chrX-31514944-G-A.
Other names: c.8484C>T, p.Gly2828= (NM_000109.4); c.8496C>T, p.Gly2832= (NM_004009.3); c.8139C>T, p.Gly2713= (NM_004010.3); c.4485C>T, p.Gly1495= (NM_004011.4); c.4476C>T, p.Gly1492= (NM_004012.4); c.1128C>T, p.Gly376= (NM_004013.3, NM_004020.4, NM_004021.3 and 2 more transcripts); c.321C>T, p.Gly107= (NM_004014.3).
Identifiers: ClinVar variation 501772 (VCV000501772.42), dbSNP rs374374549, ClinGen allele CA10378059.

ClinVar aggregate classification (germline): Conflicting classifications of pathogenicity. Review status: criteria provided, conflicting classifications (1 of 4 stars). 6 submissions from 6 submitters: Uncertain significance (2); Likely benign (3). 1 of the submissions does not count toward it. Last evaluated 2025-11-06.

Conditions:
Cardiomyopathy (CMYO). Also called: Cardiomyopathies. Identifiers: Orphanet 167848, MedGen C0878544, MONDO:0004994, HP:0001638. Inheritance: Various modes of inheritance.
Dystrophin deficiency.
Becker muscular dystrophy (BMD). Also called: MUSCULAR DYSTROPHY, PSEUDOHYPERTROPHIC PROGRESSIVE, BECKER TYPE; Becker Muscular Dystrophy (BMD). Identifiers: Orphanet 98895, MedGen C0917713, MONDO:0010311, OMIM 300376.
Duchenne muscular dystrophy (DMD). Also called: MUSCULAR DYSTROPHY, PSEUDOHYPERTROPHIC PROGRESSIVE, DUCHENNE TYPE; Duchenne Muscular Dystrophy (DMD). Identifiers: Orphanet 98896, MedGen C0013264, MONDO:0010679, OMIM 310200.
Cardiovascular phenotype. Identifiers: MedGen CN230736.

Allele frequency attached by ClinVar (database versions not stated): gnomAD exomes 0.00003 and 0.00005; TOPMed 0.00003; ExAC 0.00004; ESP Exome Variant Server 0.00009; gnomAD 0.00001.
gnomAD v4.1: 53 of 1,210,644 alleles (0.0044%); highest among the groups gnomAD compares: Non-Finnish European, 0.0055%; no homozygotes.

Submissions (6):

Labcorp Genetics (formerly Invitae), Labcorp
Classification: Likely benign for Duchenne muscular dystrophy. Last evaluated: 2025-11-06. Review status: criteria provided, single submitter. Criteria: Invitae Variant Classification Sherloc (09022015). Collection method: clinical testing. Allele origin: germline.

Ambry Genetics
Classification: Uncertain significance for Cardiovascular phenotype. Last evaluated: 2024-05-10. Review status: criteria provided, single submitter. Criteria: Ambry Variant Classification Scheme 2023. Collection method: clinical testing. Allele origin: germline.
Comment: The c.8508C>T variant (also known as p.G2836G), located in coding exon 57 of the DMD gene, results from a C to T substitution at nucleotide position 8508. This nucleotide substitution does not change the glycine at codon 2836. Based on data from gnomAD, the T allele has an overall frequency of <0.01% (5/183213) total alleles studied, with 5 hemizygote(s) observed. The highest observed frequency was <0.01% (4/81837) of European (non-Finnish) alleles. This nucleotide position is not well conserved in available vertebrate species. In silico splice site analysis for this alteration is inconclusive. Based on the available evidence, the clinical significance of this variant remains unclear.

CeGaT Center for Human Genetics Tuebingen
Classification: Likely benign. Last evaluated: 2023-01-01. Review status: criteria provided, single submitter. Criteria: CeGaT Center For Human Genetics Tuebingen Variant Classification Criteria Version 2. Collection method: clinical testing. Allele origin: germline. Affected: yes. Observed: 1 variant allele.
Comment: DMD: BP4, BP7, BS2

ARUP Laboratories, Molecular Genetics and Genomics, ARUP Laboratories
Classification: Likely benign. Last evaluated: 2022-04-21. Review status: criteria provided, single submitter. Criteria: ARUP Molecular Germline Variant Investigation Process 2021. Collection method: clinical testing. Allele origin: germline.

Eurofins Ntd Llc (ga)
Classification: Uncertain significance. Last evaluated: 2018-07-11. Review status: criteria provided, single submitter. Criteria: EGL ClinVar v180209 classification definitions. Collection method: clinical testing. Allele origin: germline. Observed: 2 variant alleles, 2 heterozygotes.

Natera, Inc.
Classification: Likely benign for Becker muscular dystrophy; Cardiomyopathy; Duchenne muscular dystrophy; Dystrophin deficiency. Last evaluated: 2021-05-04. Review status: no assertion criteria provided. Collection method: clinical testing. Allele origin: germline. Not counted in ClinVar's aggregate classification.